The following is an entry in ClinVar:

NM_001807.6(CEL):c.240C>A (p.Phe80Leu)

Gene: CEL (carboxyl ester lipase; plus strand). Cytogenetic location: 9q34.13.
Variant type: single nucleotide variant.
Coding change: c.240C>A on transcript NM_001807.6 (MANE Select); coding-DNA position 240, C replaced by A.
Protein change: p.Phe80Leu; replaces phenylalanine 80 with leucine.
Molecular consequence: missense variant.
Genome position (GRCh38, 1-based): chr9:133,064,662, C>A. VCF-style: chr9-133064662-C-A. GRCh37 (hg19) VCF-style: chr9-135940049-C-A.
Other names: short protein forms F80L.
Identifiers: ClinVar variation 1334352 (VCV001334352.2), dbSNP rs2119059232, ClinGen allele CA375391179.
Genomic context (GRCh38, chr9:133,064,662, plus strand): 5'-GCGGCTGCCTTCCTCATGCCAACTCCTGCCACCTGCAGGGACCCTGAAGGCCAAGAACTT[C>A]AAGAAGAGATGCCTGCAGGCCACCATCACCCAGGACAGCACCTACGGGGATGAAGACTGC-3'
Protein context (NP_001798.3, residues 70-90): GWQGTLKAKN[Phe80Leu]KKRCLQATIT

ClinVar aggregate classification (germline): Uncertain significance (1 of 4 stars; one submission).

Allele frequency attached by ClinVar (database versions not stated): gnomAD exomes below 0.00001.
gnomAD v4.1: 2 of 1,614,002 alleles (0.00012%); highest among the groups gnomAD compares: African/African-American, 0.0027%; no homozygotes.

Submission:

GeneDx
Classification: Uncertain significance. Last evaluated: 2022-01-13. Review status: criteria provided, single submitter. Criteria: GeneDx Variant Classification Process June 2021. Collection method: clinical testing. Allele origin: germline. Affected: yes.
Comment: Has not been previously published as pathogenic or benign to our knowledge; Not observed in large population cohorts (gnomAD); In silico analysis supports that this missense variant has a deleterious effect on protein structure/function